The following is an entry in ClinVar:

ClinVar aggregate classification (germline): Uncertain significance (1 of 4 stars; one submission).

Conditions:
Neurofibromatosis, type 1 (NF1). Also called: Neurofibromatosis, type I; Peripheral type neurofibromatosis; NEUROFIBROMATOSIS, TYPE I, SOMATIC; VON RECKLINGHAUSEN DISEASE. Identifiers: Orphanet 636, MedGen C0027831, MONDO:0018975, OMIM 162200. Disease mechanism: loss of function.

Submission:

Labcorp Genetics (formerly Invitae), Labcorp
Classification: Uncertain significance for Neurofibromatosis, type 1. Last evaluated: 2022-06-01. Review status: criteria provided, single submitter. Criteria: Invitae Variant Classification Sherloc (09022015). Collection method: clinical testing. Allele origin: germline.
Comment: This variant is not present in population databases (gnomAD no frequency). In summary, the available evidence is currently insufficient to determine the role of this variant in disease. Therefore, it has been classified as a Variant of Uncertain Significance. Advanced modeling of protein sequence and biophysical properties (such as structural, functional, and spatial information, amino acid conservation, physicochemical variation, residue mobility, and thermodynamic stability) performed at Invitae indicates that this missense variant is not expected to disrupt NF1 protein function. This variant has not been reported in the literature in individuals affected with NF1-related conditions. This sequence change replaces alanine, which is neutral and non-polar, with proline, which is neutral and non-polar, at codon 2744 of the NF1 protein (p.Ala2744Pro).

NM_001042492.3(NF1):c.8293G>C (p.Ala2765Pro)

Gene: NF1 (neurofibromin 1; plus strand). Cytogenetic location: 17q11.2.
Variant type: single nucleotide variant.
Coding change: c.8293G>C on transcript NM_001042492.3 (MANE Select); coding-DNA position 8293, G replaced by C.
Protein change: p.Ala2765Pro; replaces alanine 2765 with proline.
Molecular consequence: missense variant.
Genome position (GRCh38, 1-based): chr17:31,360,619, G>C. VCF-style: chr17-31360619-G-C. GRCh37 (hg19) VCF-style: chr17-29687637-G-C.
Other names: c.8230G>C, p.Ala2744Pro (NM_000267.4); short protein forms A2765P, A2744P.
Identifiers: ClinVar variation 2001589 (VCV002001589.4), dbSNP rs2070375768, ClinGen allele CA399204856.